The following is an entry in ClinVar:

ClinVar aggregate classification (germline): Conflicting classifications of pathogenicity. Review status: criteria provided, conflicting classifications (1 of 4 stars). 2 submissions from 2 submitters: Uncertain significance (1); Likely benign (1). Last evaluated 2025-12-16.

Conditions:
Early Myoclonic Encephalopathy. Identifiers: MedGen C0270855.

Allele frequency attached by ClinVar (database versions not stated): gnomAD 0.00001; ExAC 0.00001; TOPMed 0.00001; gnomAD exomes 0.00002.
gnomAD v4.1: 14 of 1,586,800 alleles (0.00088%); highest among the groups gnomAD compares: African/African-American, 0.0014%; no homozygotes.

Submissions (2):

Ambry Genetics
Classification: Likely benign. Last evaluated: 2025-12-16. Review status: criteria provided, single submitter. Criteria: Ambry Variant Classification Scheme 2023. Collection method: clinical testing. Allele origin: germline.

Labcorp Genetics (formerly Invitae), Labcorp
Classification: Uncertain significance for Early Myoclonic Encephalopathy. Last evaluated: 2023-08-04. Review status: criteria provided, single submitter. Criteria: Invitae Variant Classification Sherloc (09022015). Collection method: clinical testing. Allele origin: germline.
Comment: Advanced modeling of protein sequence and biophysical properties (such as structural, functional, and spatial information, amino acid conservation, physicochemical variation, residue mobility, and thermodynamic stability) performed at Invitae indicates that this missense variant is not expected to disrupt JMJD1C protein function. This sequence change replaces serine, which is neutral and polar, with asparagine, which is neutral and polar, at codon 1690 of the JMJD1C protein (p.Ser1690Asn). This variant is present in population databases (rs763499705, gnomAD 0.004%). This variant has not been reported in the literature in individuals affected with JMJD1C-related conditions. ClinVar contains an entry for this variant (Variation ID: 1448190). In summary, the available evidence is currently insufficient to determine the role of this variant in disease. Therefore, it has been classified as a Variant of Uncertain Significance.

NM_032776.3(JMJD1C):c.5069G>A (p.Ser1690Asn)

Gene: JMJD1C (jumonji domain containing 1C; minus strand). Cytogenetic location: 10q21.3.
Variant type: single nucleotide variant.
Coding change: c.5069G>A on transcript NM_032776.3 (MANE Select); coding-DNA position 5069, G replaced by A.
Protein change: p.Ser1690Asn; replaces serine 1690 with asparagine.
Molecular consequence: missense variant. On other transcripts: non-coding transcript variant (1).
Genome position (GRCh38, 1-based): chr10:63,206,600, C>T on the plus strand (G>A on the coding strand, the complement: JMJD1C is on the minus strand). VCF-style: chr10-63206600-C-T. GRCh37 (hg19) VCF-style: chr10-64966360-C-T.
Other names: c.5069G>A (NM_032776.1); c.4523G>A, p.Ser1508Asn (NM_001282948.2, NM_001318154.2); c.4205G>A, p.Ser1402Asn (NM_001318153.2); c.4955G>A, p.Ser1652Asn (NM_001322252.2); c.4412G>A, p.Ser1471Asn (NM_001322254.2, NM_001322258.2); short protein forms S1508N, S1402N, S1471N, S1652N, S1690N.
Identifiers: ClinVar variation 1448190 (VCV001448190.7), dbSNP rs763499705, ClinGen allele CA5518166.